The following is an entry in ClinVar:

NM_201384.3(PLEC):c.3964_3965inv (p.His1322Cys)

Gene: PLEC (plectin; minus strand). Cytogenetic location: 8q24.3.
Variant type: Inversion.
Coding change: c.3964_3965inv on transcript NM_201384.3 (MANE Select).
Protein change: p.His1322Cys; replaces histidine 1322 with cysteine.
Molecular consequence: missense variant.
Genome position: GRCh38 VCF-style: chr8-143926863-TG-CA. GRCh37 (hg19) VCF-style: chr8-145001031-TG-CA.
Other names: c.4045_4046inv, p.His1349Cys (NM_000445.5); c.3922_3923inv, p.His1308Cys (NM_201378.4); c.3898_3899inv, p.His1300Cys (NM_201379.3); c.4375_4376inv, p.His1459Cys (NM_201380.4); c.3868_3869inv, p.His1290Cys (NM_201381.3); c.3964_3965inv, p.His1322Cys (NM_201382.4); c.3976_3977inv, p.His1326Cys (NM_201383.3); short protein forms H1308C, H1290C, H1322C, H1300C, H1349C, H1326C, H1459C.
Identifiers: ClinVar variation 500105 (VCV000500105.14), ClinGen allele CA658797166.

ClinVar aggregate classification (germline): Uncertain significance. Review status: criteria provided, multiple submitters, no conflicts (2 of 4 stars). 4 submissions from 4 submitters: Uncertain significance (4). Last evaluated 2026-09-15.

Conditions:
Autosomal recessive limb-girdle muscular dystrophy type 2Q (LGMDR17). Also called: MUSCULAR DYSTROPHY, LIMB-GIRDLE, AUTOSOMAL RECESSIVE 17. Identifiers: Orphanet 254361, MedGen C3150989, MONDO:0013390, OMIM 613723.
Epidermolysis bullosa simplex 5B, with muscular dystrophy (EBS5B). Also called: EPIDERMOLYSIS BULLOSA SIMPLEX AND LIMB-GIRDLE MUSCULAR DYSTROPHY; Epidermolysis bullosa simplex with muscular dystrophy. Identifiers: Orphanet 257, MedGen C2931072, MONDO:0009181, OMIM 226670.
Epidermolysis bullosa simplex, Ogna type (EBS5A). Also called: Pidermolysis bullosa simplex 5A, Ogna type; EPIDERMOLYSIS BULLOSA SIMPLEX 5A, OGNA TYPE. Identifiers: Orphanet 79401, MedGen C0432317, MONDO:0007555, OMIM 131950.
Epidermolysis bullosa simplex with nail dystrophy (EBS5D). Identifiers: MedGen C4225309, MONDO:0014661, OMIM 616487.
Epidermolysis bullosa simplex 5C, with pyloric atresia (EBS5C). Also called: PLEC-Related Epidermolysis Bullosa with Pyloric Atresia; Epidermolysis bullosa simplex with pyloric atresia; PLEC1-Related Epidermolysis Bullosa with Pyloric Atresia. Identifiers: Orphanet 158684, MedGen C2677349, MONDO:0012807, OMIM 612138.
PLEC-related disorder. Also called: PLEC-related disorders; PLEC-related condition.

Submissions (4):

PreventionGenetics, part of Exact Sciences
Classification: Uncertain significance for PLEC-related condition. Last evaluated: 2026-09-15. Review status: criteria provided, single submitter. Criteria: ACMG Guidelines, 2015. Collection method: clinical testing. Allele origin: germline.
Comment: The PLEC c.4045_4046delinsTG variant is predicted to result in an in-frame deletion and insertion. To our knowledge, this variant has not been reported in the literature or in a large population database (gnomAD), indicating this variant is rare. At this time, the clinical significance of this variant is uncertain due to the absence of conclusive functional and genetic evidence.

Labcorp Genetics (formerly Invitae), Labcorp
Classification: Uncertain significance for Autosomal recessive limb-girdle muscular dystrophy type 2Q; Epidermolysis bullosa simplex, Ogna type; Epidermolysis bullosa simplex with nail dystrophy; Epidermolysis bullosa simplex 5C, with pyloric atresia; Epidermolysis bullosa simplex 5B, with muscular dystrophy. Last evaluated: 2025-12-08. Review status: criteria provided, single submitter. Criteria: Invitae Variant Classification Sherloc (09022015). Collection method: clinical testing. Allele origin: germline.
Comment: This sequence change replaces histidine, which is basic and polar, with cysteine, which is neutral and slightly polar, at codon 1349 of the PLEC protein (p.His1349Cys). This variant is present in population databases (no rsID available, gnomAD 0.007%). This variant has not been reported in the literature in individuals affected with PLEC-related conditions. ClinVar contains an entry for this variant (Variation ID: 500105). Experimental studies and prediction algorithms are not available or were not evaluated, and the functional significance of this variant is currently unknown. In summary, the available evidence is currently insufficient to determine the role of this variant in disease. Therefore, it has been classified as a Variant of Uncertain Significance.

GeneDx
Classification: Uncertain significance. Last evaluated: 2020-11-20. Review status: criteria provided, single submitter. Criteria: GeneDx Variant Classification Process June 2021. Collection method: clinical testing. Allele origin: germline. Affected: yes.
Comment: Not observed in large population cohorts (Lek et al., 2016); In silico analysis supports a deleterious effect on protein structure/function; Missense variant in a gene in which most reported pathogenic variants are truncation/loss-of-function; Has not been previously published as pathogenic or benign to our knowledge

Eurofins Ntd Llc (ga)
Classification: Uncertain significance. Last evaluated: 2018-08-23. Review status: criteria provided, single submitter. Criteria: EGL ClinVar v180209 classification definitions. Collection method: clinical testing. Allele origin: germline. Observed: 2 variant alleles, 2 heterozygotes.